The following is an entry in ClinVar:

NM_020631.6(PLEKHG5):c.918C>T (p.Asp306=)

Gene: PLEKHG5 (pleckstrin homology and RhoGEF domain containing G5; minus strand). Cytogenetic location: 1p36.31.
Variant type: single nucleotide variant.
Coding change: c.918C>T on transcript NM_020631.6 (MANE Select); coding-DNA position 918, C replaced by T.
Protein change: p.Asp306=; no amino-acid change (aspartic acid 306 retained).
Molecular consequence: synonymous variant.
Genome position (GRCh38, 1-based): chr1:6,473,052, G>A on the plus strand (C>T on the coding strand, the complement: PLEKHG5 is on the minus strand). VCF-style: chr1-6473052-G-A. GRCh37 (hg19) VCF-style: chr1-6533112-G-A.
Other names: p.Asp306=; c.1029C>T, p.Asp343= (NM_001042663.3, NM_001265592.2); c.918C>T, p.Asp306= (NM_001042664.2, NM_001042665.2, NM_001265594.3 and 1 more transcripts); c.1125C>T, p.Asp375= (NM_001265593.2); c.918C>T (NM_020631.5).
Identifiers: ClinVar variation 297962 (VCV000297962.88), dbSNP rs111624565, ClinGen allele CA561710.

ClinVar aggregate classification (germline): Conflicting classifications of pathogenicity. Review status: criteria provided, conflicting classifications (1 of 4 stars). 10 submissions from 10 submitters: Uncertain significance (1); Benign (2); Likely benign (6). 1 of the submissions does not count toward it. Last evaluated 2026-09-01.

Conditions:
Charcot-Marie-Tooth disease recessive intermediate C. Also called: CHARCOT-MARIE-TOOTH NEUROPATHY, RECESSIVE INTERMEDIATE C. Identifiers: Orphanet 369867, MedGen C3809309, MONDO:0014154, OMIM 615376.
Neuronopathy, distal hereditary motor, autosomal recessive 4. Also called: NEUROPATHY, DISTAL HEREDITARY MOTOR, AUTOSOMAL RECESSIVE 4; Autosomal recessive lower motor neuron disease with childhood onset. Identifiers: Orphanet 206580, MedGen C1970211, MONDO:0012608, OMIM 611067.
PLEKHG5-related disorder. Also called: PLEKHG5-related condition.
Inborn genetic diseases. Identifiers: MedGen C0950123, MeSH D030342.

Allele frequency attached by ClinVar (database versions not stated): 1000 Genomes Project 0.00060; 1000 Genomes Project 30x 0.00078; ESP Exome Variant Server 0.00085; gnomAD 0.00089 and 0.00091; ExAC 0.00090; TOPMed 0.00098.
gnomAD v4.1: 1,994 of 1,613,902 alleles (0.12%); highest among the groups gnomAD compares: Non-Finnish European, 0.15%; 2 homozygotes.

Submissions (10):

CeGaT Center for Human Genetics Tuebingen
Classification: Likely benign. Last evaluated: 2026-09-01. Review status: criteria provided, single submitter. Criteria: CeGaT Center For Human Genetics Tuebingen Variant Classification Criteria Version 2. Collection method: clinical testing. Allele origin: germline. Affected: yes. Observed: 10 variant alleles.
Comment: PLEKHG5: BP4, BP7

Labcorp Genetics (formerly Invitae), Labcorp
Classification: Likely benign for Neuronopathy, distal hereditary motor, autosomal recessive 4; Charcot-Marie-Tooth disease recessive intermediate C. Last evaluated: 2026-02-02. Review status: criteria provided, single submitter. Criteria: Invitae Variant Classification Sherloc (09022015). Collection method: clinical testing. Allele origin: germline.

Blueprint Genetics
Classification: Likely benign. Last evaluated: 2024-11-13. Review status: criteria provided, single submitter. Criteria: ACMG Guidelines, 2015. Collection method: clinical testing. Allele origin: germline.

Mayo Clinic Laboratories, Mayo Clinic
Classification: Likely benign. Last evaluated: 2024-01-16. Review status: criteria provided, single submitter. Criteria: ACMG Guidelines, 2015. Collection method: clinical testing. Allele origin: germline. Observed: 3 variant alleles.
Comment: BP4, BP7

ARUP Laboratories, Molecular Genetics and Genomics, ARUP Laboratories
Classification: Benign. Last evaluated: 2023-08-24. Review status: criteria provided, single submitter. Criteria: ARUP Molecular Germline Variant Investigation Process 2024. Collection method: clinical testing. Allele origin: germline.

Women's Health and Genetics/Laboratory Corporation of America, LabCorp
Classification: Likely benign. Last evaluated: 2022-03-18. Review status: criteria provided, single submitter. Criteria: LabCorp Variant Classification Summary - May 2015. Collection method: clinical testing. Allele origin: germline.

Ambry Genetics
Classification: Likely benign for Inborn genetic diseases. Last evaluated: 2019-07-11. Review status: criteria provided, single submitter. Criteria: Ambry Variant Classification Scheme 2023. Collection method: clinical testing. Allele origin: germline.

Illumina Laboratory Services, Illumina
Classification: Uncertain significance for Neuronopathy, distal hereditary motor, autosomal recessive 4. Last evaluated: 2018-01-12. Review status: criteria provided, single submitter. Criteria: ICSL Variant Classification Criteria 13 December 2019. Collection method: clinical testing. Allele origin: germline.

GeneDx
Classification: Benign. Last evaluated: 2015-09-14. Review status: criteria provided, single submitter. Criteria: GeneDx Variant Classification (06012015). Collection method: clinical testing. Allele origin: germline. Affected: yes.
Comment: This variant is considered likely benign or benign based on one or more of the following criteria: it is a conservative change, it occurs at a poorly conserved position in the protein, it is predicted to be benign by multiple in silico algorithms, and/or has population frequency not consistent with disease.

PreventionGenetics, part of Exact Sciences
Classification: Likely benign for PLEKHG5-related condition. Last evaluated: 2019-06-19. Review status: no assertion criteria provided. Collection method: clinical testing. Allele origin: germline. Not counted in ClinVar's aggregate classification.
Comment: This variant is classified as likely benign based on ACMG/AMP sequence variant interpretation guidelines (Richards et al. 2015 PMID: 25741868, with internal and published modifications).